The following is an entry in ClinVar:

ClinVar aggregate classification (germline): Likely benign (0 of 4 stars; one submission).

Conditions:
RUNX2-related disorder. Also called: RUNX2-related condition.

Submission:

PreventionGenetics, part of Exact Sciences
Classification: Likely benign for RUNX2-related condition. Last evaluated: 2019-04-10. Review status: no assertion criteria provided. Collection method: clinical testing. Allele origin: germline.
Comment: This variant is classified as likely benign based on ACMG/AMP sequence variant interpretation guidelines (Richards et al. 2015 PMID: 25741868, with internal and published modifications).

NM_001024630.4(RUNX2):c.177GCA[5] (p.Gln71del)

Genes: RUNX2 (RUNX family transcription factor 2; plus strand), LOC109611589 (runt related transcription factor 2 polyalanine expansion region; plus strand). Cytogenetic location: 6p21.1.
Variant type: Microsatellite.
Coding change: c.177GCA[5] on transcript NM_001024630.4 (MANE Select); five copies in a row of the 3-base unit GCA starting at c.177; the reference has six copies in a row; one copy, 3 bases deleted.
Protein change: p.Gln71del; deletes glutamine 71.
Molecular consequence: inframe indel (on NM_004348.3).
Genome position (GRCh38, 1-based): chr6:45,422,726-45,422,728, GCA deleted; deleting any 3 consecutive bases within chr6:45,422,709-45,422,728 gives the same sequence; the position shown is the placement nearest the transcript's 3' end. VCF-style (leftmost placement, unchanged base first): chr6-45422708-ACAG-A. GRCh37 (hg19) VCF-style: chr6-45390445-ACAG-A.
Other names: c.177GCA[5], p.Gln71del (NM_001015051.4); c.135GCA[5], p.Gln57del (NM_001278478.2, NM_001369405.1); c.135_137GCA[5], p.Gln57del (NM_004348.3); short protein forms Q57del, Q71del.
Identifiers: ClinVar variation 3056020 (VCV003056020.2), dbSNP rs759395776, ClinGen allele CA3836284.